The following is an entry in ClinVar:

ClinVar aggregate classification (germline): Uncertain significance (1 of 4 stars; one submission).

Conditions:
Cortical dysplasia-focal epilepsy syndrome (PTHSL1). Also called: Pitt-Hopkins-like syndrome 1. Identifiers: Orphanet 163681, Orphanet 221150, MedGen C2750246, MONDO:0012400, OMIM 610042.

gnomAD v4.1: 1 of 1,614,090 alleles (0.000062%); highest among the groups gnomAD compares: Admixed American, 0.0017%; no homozygotes.

Submission:

Labcorp Genetics (formerly Invitae), Labcorp
Classification: Uncertain significance for Cortical dysplasia-focal epilepsy syndrome. Last evaluated: 2025-10-04. Review status: criteria provided, single submitter. Criteria: Invitae Variant Classification Sherloc (09022015). Collection method: clinical testing. Allele origin: germline.
Comment: This sequence change replaces threonine, which is neutral and polar, with isoleucine, which is neutral and non-polar, at codon 579 of the CNTNAP2 protein (p.Thr579Ile). This variant is present in population databases (rs745861375, gnomAD 0.003%). This variant has not been reported in the literature in individuals affected with CNTNAP2-related conditions. An algorithm developed to predict the effect of missense changes on protein structure and function (PolyPhen-2) suggests that this variant is likely to be disruptive. In summary, the available evidence is currently insufficient to determine the role of this variant in disease. Therefore, it has been classified as a Variant of Uncertain Significance.

NM_014141.6(CNTNAP2):c.1736C>T (p.Thr579Ile)

Gene: CNTNAP2 (contactin associated protein 2; plus strand). Cytogenetic location: 7q35.
Variant type: single nucleotide variant.
Coding change: c.1736C>T on transcript NM_014141.6 (MANE Select); coding-DNA position 1736, C replaced by T.
Protein change: p.Thr579Ile; replaces threonine 579 with isoleucine.
Molecular consequence: missense variant.
Genome position (GRCh38, 1-based): chr7:147,486,000, C>T. VCF-style: chr7-147486000-C-T. GRCh37 (hg19) VCF-style: chr7-147183092-C-T.
Other names: short protein forms T579I.
Identifiers: ClinVar variation 4727963 (VCV004727963.1).